The following is an entry in ClinVar:

NM_032043.3(BRIP1):c.1474G>T (p.Gly492Ter)

Gene: BRIP1 (BRCA1 interacting DNA helicase 1; minus strand). Cytogenetic location: 17q23.2.
Variant type: single nucleotide variant.
Coding change: c.1474G>T on transcript NM_032043.3 (MANE Select); coding-DNA position 1474, G replaced by T.
Protein change: p.Gly492Ter; replaces glycine 492 with a stop codon.
Molecular consequence: nonsense.
Genome position (GRCh38, 1-based): chr17:61,784,424, C>A on the plus strand (G>T on the coding strand, the complement: BRIP1 is on the minus strand). VCF-style: chr17-61784424-C-A. GRCh37 (hg19) VCF-style: chr17-59861785-C-A.
Other names: short protein forms G492*.
Identifiers: ClinVar variation 2940811 (VCV002940811.3), dbSNP rs2145142389, ClinGen allele CA400481785.
Genomic context (GRCh38, chr17:61,784,424, plus strand): 5'-CCTCTTTACCATAAATTGGTGAGATTTTTTCCTCTTTTTGAAGAACAGCAGAAAAATGTC[C>A]CTATAAGAAATTACCATATTAAGTATAGAGGGGTTGGGAGGGAATTGGAAAAAGAAACTT-3'

ClinVar aggregate classification (germline): Pathogenic (1 of 4 stars; one submission).

Conditions:
Fanconi anemia complementation group J. Also called: BRIP1-Related Fanconi Anemia. Identifiers: Orphanet 84, MedGen C1836860, MONDO:0012187, OMIM 609054.
Familial cancer of breast. Also called: BREAST CANCER, FAMILIAL; Hereditary breast cancer; hereditary breast carcinoma. Identifiers: Orphanet 227535, MedGen C0346153, MONDO:0016419, OMIM 114480. Disease mechanism: loss of function.

Allele frequency attached by ClinVar (database versions not stated): gnomAD exomes below 0.00001.
gnomAD v4.1: 1 of 1,611,406 alleles (0.000062%); highest among the groups gnomAD compares: East Asian, 0.0022%; no homozygotes.

Submission:

Labcorp Genetics (formerly Invitae), Labcorp
Classification: Pathogenic for Familial cancer of breast; Fanconi anemia complementation group J. Last evaluated: 2024-12-30. Review status: criteria provided, single submitter. Criteria: Invitae Variant Classification Sherloc (09022015). Collection method: clinical testing. Allele origin: germline.
Comment: This sequence change creates a premature translational stop signal (p.Gly492*) in the BRIP1 gene. It is expected to result in an absent or disrupted protein product. Loss-of-function variants in BRIP1 are known to be pathogenic (PMID: 16116423, 17033622, 21964575). This variant is not present in population databases (gnomAD no frequency). This variant has not been reported in the literature in individuals affected with BRIP1-related conditions. ClinVar contains an entry for this variant (Variation ID: 2940811). Algorithms developed to predict the effect of sequence changes on RNA splicing suggest that this variant may disrupt the consensus splice site. For these reasons, this variant has been classified as Pathogenic.

Literature cited by the submitters: PubMed 16116423; PubMed 17033622; PubMed 21964575.